The following is an entry in ClinVar:

ClinVar aggregate classification (germline): Uncertain significance (1 of 4 stars; one submission).

Allele frequency attached by ClinVar (database versions not stated): gnomAD 0.00001; gnomAD exomes 0.00001; ExAC 0.00002.
gnomAD v4.1: 7 of 1,614,034 alleles (0.00043%); highest among the groups gnomAD compares: Admixed American, 0.0017%; no homozygotes.

Submission:

Labcorp Genetics (formerly Invitae), Labcorp
Classification: Uncertain significance. Last evaluated: 2023-10-03. Review status: criteria provided, single submitter. Criteria: Invitae Variant Classification Sherloc (09022015). Collection method: clinical testing. Allele origin: germline.
Comment: This sequence change replaces arginine, which is basic and polar, with cysteine, which is neutral and slightly polar, at codon 450 of the A2ML1 protein (p.Arg450Cys). This variant is present in population databases (rs772972879, gnomAD 0.003%). This variant has not been reported in the literature in individuals affected with A2ML1-related conditions. ClinVar contains an entry for this variant (Variation ID: 406196). An algorithm developed to predict the effect of missense changes on protein structure and function (PolyPhen-2) suggests that this variant is likely to be disruptive. In summary, the available evidence is currently insufficient to determine the role of this variant in disease. Therefore, it has been classified as a Variant of Uncertain Significance.

NM_144670.6(A2ML1):c.1348C>T (p.Arg450Cys)

Gene: A2ML1 (alpha-2-macroglobulin like 1; plus strand). Cytogenetic location: 12p13.31.
Variant type: single nucleotide variant.
Coding change: c.1348C>T on transcript NM_144670.6 (MANE Select); coding-DNA position 1348, C replaced by T.
Protein change: p.Arg450Cys; replaces arginine 450 with cysteine.
Molecular consequence: missense variant.
Genome position (GRCh38, 1-based): chr12:8,843,233, C>T. VCF-style: chr12-8843233-C-T. GRCh37 (hg19) VCF-style: chr12-8995829-C-T.
Other names: short protein forms R450C.
Identifiers: ClinVar variation 406196 (VCV000406196.10), dbSNP rs772972879, ClinGen allele CA6435628.